The following is an entry in ClinVar:

NM_000059.4(BRCA2):c.5296A>G (p.Asn1766Asp)

Gene: BRCA2 (BRCA2 DNA repair associated; plus strand). Cytogenetic location: 13q13.1.
Variant type: single nucleotide variant.
Coding change: c.5296A>G on transcript NM_000059.4 (MANE Select); coding-DNA position 5296, A replaced by G.
Protein change: p.Asn1766Asp; replaces asparagine 1766 with aspartic acid.
Molecular consequence: missense variant. On other transcripts: non-coding transcript variant (1), intron variant (2).
Genome position (GRCh38, 1-based): chr13:32,339,651, A>G. VCF-style: chr13-32339651-A-G. GRCh37 (hg19) VCF-style: chr13-32913788-A-G.
Other names: c.5296A>G, p.Asn1766Asp (NM_001406719.1, NM_001406720.1, NM_001432077.1); c.1910-4907A>G (NM_001406721.1); c.425-4907A>G (NM_001406722.1); short protein forms N1766D.
Identifiers: ClinVar variation 4215856 (VCV004215856.1).

ClinVar aggregate classification (germline): Uncertain significance (1 of 4 stars; one submission).

Conditions:
Hereditary cancer-predisposing syndrome. Also called: Hereditary Cancer Syndrome; Hereditary neoplastic syndrome; Neoplastic Syndromes, Hereditary; Tumor predisposition. Identifiers: Orphanet 140162, MedGen C0027672, MeSH D009386, MONDO:0015356.

Submission:

Ambry Genetics
Classification: Uncertain significance for Hereditary cancer-predisposing syndrome. Last evaluated: 2025-07-07. Review status: criteria provided, single submitter. Criteria: Ambry Variant Classification Scheme 2023. Collection method: clinical testing. Allele origin: germline.
Comment: The p.N1766D variant (also known as c.5296A>G), located in coding exon 10 of the BRCA2 gene, results from an A to G substitution at nucleotide position 5296. The asparagine at codon 1766 is replaced by aspartic acid, an amino acid with highly similar properties. This amino acid position is conserved. In addition, this alteration is predicted to be tolerated by in silico analysis. Based on the available evidence, the clinical significance of this variant remains unclear.